The following is an entry in ClinVar:

ClinVar aggregate classification (germline): Pathogenic. Review status: criteria provided, multiple submitters, no conflicts (2 of 4 stars). 4 submissions from 4 submitters: Pathogenic (4). Last evaluated 2026-06-18.
ClinVar aggregate classification (somatic clinical impact): Tier II - Potential (0 of 4 stars; one submission).

Conditions:
Inherited polyposis and early onset colorectal cancer - germline testing.
Hereditary cancer-predisposing syndrome. Also called: Neoplastic Syndromes, Hereditary; Hereditary Cancer Syndrome; Tumor predisposition; Hereditary neoplastic syndrome. Identifiers: Orphanet 140162, MedGen C0027672, MeSH D009386, MONDO:0015356.
Familial adenomatous polyposis 1 (FAP1). Also called: POLYPOSIS, ADENOMATOUS INTESTINAL; FAMILIAL ADENOMATOUS POLYPOSIS 1, ATTENUATED. Identifiers: MedGen C2713442, MONDO:0021056, OMIM 175100. Disease mechanism: loss of function.
Colorectal cancer. Also called: Colorectal cancer, somatic; Malignant Colorectal Neoplasm. Identifiers: MedGen C0346629, MONDO:0005575, OMIM 114500.

Submissions (5):

Genomics and Molecular Medicine Service, East Genomic Laboratory Hub, NHS Genomic Medicine Service
Classification: Pathogenic for Inherited polyposis and early onset colorectal cancer - germline testing. Last evaluated: 2026-06-18. Review status: criteria provided, single submitter. Criteria: ACGS Best Practice Guidelines for Variant Classification in Rare Disease 2020. Collection method: clinical testing. Allele origin: germline. Affected: yes.
Comment: PVS1,PS4_Supporting,PM2_Supporting

Labcorp Genetics (formerly Invitae), Labcorp
Classification: Pathogenic for Familial adenomatous polyposis 1. Last evaluated: 2025-01-22. Review status: criteria provided, single submitter. Criteria: Invitae Variant Classification Sherloc (09022015). Collection method: clinical testing. Allele origin: germline.
Comment: This sequence change creates a premature translational stop signal (p.Gln1406*) in the APC gene. While this is not anticipated to result in nonsense mediated decay, it is expected to disrupt the last 1438 amino acid(s) of the APC protein. This variant is not present in population databases (gnomAD no frequency). This premature translational stop signal has been observed in individual(s) with familial adenomatous polyposis and colorectal cancer (PMID: 12010888, 20685668, 23085758). This variant is also known as p.Gln1407*. ClinVar contains an entry for this variant (Variation ID: 142519). This variant is expected to disrupt the EB1 and HDLG binding sites, which mediate interactions with the cytoskeleton (PMID: 15311282, 17293347). While functional studies have not been performed to directly test the effect on APC protein function, this suggests that disruption of the C-terminal portion of the protein is functionally important. A different truncation (p.Tyr2645Lysfs*14) that lies downstream of this variant has been determined to be pathogenic (PMID: 9824584, 1316610, 27081525, 8381579, 22135120, internal data). This suggests that deletion of this region of the APC protein is causative of disease. For these reasons, this variant has been classified as Pathogenic.

Ambry Genetics
Classification: Pathogenic for Hereditary cancer-predisposing syndrome. Last evaluated: 2023-12-20. Review status: criteria provided, single submitter. Criteria: Ambry Variant Classification Scheme 2023. Collection method: clinical testing. Allele origin: germline.
Comment: The p.Q1406* pathogenic mutation (also known as c.4216C>T), located in coding exon 15 of the APC gene, results from a C to T substitution at nucleotide position 4216. This changes the amino acid from a glutamine to a stop codon within coding exon 15. This mutation has been reported in a Finnish FAP kindred (Moisio A et al. Gut. 2002 Jun;50(6):845-50). This alteration is expected to result in loss of function by premature protein truncation or nonsense-mediated mRNA decay. As such, this alteration is interpreted as a disease-causing mutation.

Myriad Genetics, Inc.
Classification: Pathogenic for Familial adenomatous polyposis 1. Last evaluated: 2023-05-10. Review status: criteria provided, single submitter. Criteria: Myriad Autosomal Dominant, Autosomal Recessive and X-Linked Classification Criteria (2023). Collection method: clinical testing. Allele origin: unknown.
Comment: This variant is considered pathogenic. This variant creates a termination codon and is predicted to result in premature protein truncation.

Department of Clinical Biochemistry, Naestved Hospital
Classification: Tier II - Potential for Colorectal cancer. Assertion type: prognostic. Clinical significance: better outcome. Last evaluated: 2024-10-10. Review status: no assertion criteria provided. Collection method: research. Allele origin: somatic.
Comment: Truncating. Nonsense, likely loss of function

Literature cited by the submitters: PubMed 12010888 (cited by Labcorp Genetics (formerly Invitae), Labcorp and Ambry Genetics); PubMed 20685668 (cited by Labcorp Genetics (formerly Invitae), Labcorp); PubMed 23085758 (cited by Labcorp Genetics (formerly Invitae), Labcorp); PubMed 15311282 (cited by Labcorp Genetics (formerly Invitae), Labcorp); PubMed 17293347 (cited by Labcorp Genetics (formerly Invitae), Labcorp); PubMed 9824584 (cited by Labcorp Genetics (formerly Invitae), Labcorp); PubMed 1316610 (cited by Labcorp Genetics (formerly Invitae), Labcorp); PubMed 27081525 (cited by Labcorp Genetics (formerly Invitae), Labcorp); PubMed 8381579 (cited by Labcorp Genetics (formerly Invitae), Labcorp); PubMed 22135120 (cited by Labcorp Genetics (formerly Invitae), Labcorp).

NM_000038.6(APC):c.4216C>T (p.Gln1406Ter)

Gene: APC (APC regulator of Wnt signaling pathway; plus strand). Cytogenetic location: 5q22.2.
Variant type: single nucleotide variant.
Coding change: c.4216C>T on transcript NM_000038.6 (MANE Select); coding-DNA position 4216, C replaced by T.
Protein change: p.Gln1406Ter; replaces glutamine 1406 with a stop codon.
Molecular consequence: nonsense.
Genome position (GRCh38, 1-based): chr5:112,839,810, C>T. VCF-style: chr5-112839810-C-T. GRCh37 (hg19) VCF-style: chr5-112175507-C-T.
Other names: c.4216C>T, p.Gln1406Ter (NM_001127510.3, NM_001354895.2); c.4162C>T, p.Gln1388Ter (NM_001127511.3); c.4270C>T, p.Gln1424Ter (NM_001354896.2); c.4246C>T, p.Gln1416Ter (NM_001354897.2); c.4141C>T, p.Gln1381Ter (NM_001354898.2); c.4132C>T, p.Gln1378Ter (NM_001354899.2); c.4093C>T, p.Gln1365Ter (NM_001354900.2); c.4039C>T, p.Gln1347Ter (NM_001354901.2); and 5 more; short protein forms Q1388*, Q1406*, Q1280*, Q1315*, Q1381*, Q1246*, Q1347*, Q1424*.
Identifiers: ClinVar variation 142519 (VCV000142519.17), dbSNP rs587782518, ClinGen allele CA008967.